The following is an entry in ClinVar:

NM_001845.6(COL4A1):c.3851G>A (p.Gly1284Glu)

Gene: COL4A1 (collagen type IV alpha 1 chain; minus strand). Cytogenetic location: 13q34.
Variant type: single nucleotide variant.
Coding change: c.3851G>A on transcript NM_001845.6 (MANE Select); coding-DNA position 3851, G replaced by A.
Protein change: p.Gly1284Glu; replaces glycine 1284 with glutamic acid.
Molecular consequence: missense variant.
Genome position (GRCh38, 1-based): chr13:110,169,654, C>T on the plus strand (G>A on the coding strand, the complement: COL4A1 is on the minus strand). VCF-style: chr13-110169654-C-T. GRCh37 (hg19) VCF-style: chr13-110822001-C-T.
Other names: short protein forms G1284E.
Identifiers: ClinVar variation 2631473 (VCV002631473.1), dbSNP rs2501757578, ClinGen allele CA388661733.
Genomic context (GRCh38, chr13:110,169,654, plus strand): 5'-CTTTAAAAATAAAAATCTACAAATCAATAACTCACAGGCATGCCCTGGAATCCAGGGTCT[C>T]CCTTGGGCCCTGGGACACCGGGTGCTCCTGGCCAGCCTGGATTTCCTTTGTCACCTTTAA-3'
Protein context (NP_001836.3, residues 1274-1294): PGAPGVPGPK[Gly1284Glu]DPGFQGMPGI

ClinVar aggregate classification (germline): Likely pathogenic (1 of 4 stars; one submission).

Conditions:
COL4A1-related disorder. Also called: COL4A1-related condition; COL4A1-related disorders. Identifiers: MedGen CN376119, MONDO:0800461.

Submission:

PreventionGenetics, part of Exact Sciences
Classification: Likely pathogenic for COL4A1-related condition. Last evaluated: 2023-07-10. Review status: criteria provided, single submitter. Criteria: ACMG Guidelines, 2015. Collection method: clinical testing. Allele origin: germline.
Comment: The COL4A1 c.3851G>A variant is predicted to result in the amino acid substitution p.Gly1284Glu. To our knowledge, this variant has not been reported in the literature or in a large population database, indicating it is rare. This variant occurs at a glycine (Gly) residue within the highly conserved collagen triple helical domain (Gly-X-Y) were glycine variants are frequently pathogenic (Plaisier et al. 1993. PubMed ID: 20301768). This variant is classified as likely pathogenic.